The following is an entry in ClinVar:

ClinVar aggregate classification (germline): Uncertain significance (1 of 4 stars; one submission).

Submission:

CeGaT Center for Human Genetics Tuebingen
Classification: Uncertain significance. Last evaluated: 2023-01-01. Review status: criteria provided, single submitter. Criteria: CeGaT Center For Human Genetics Tuebingen Variant Classification Criteria Version 2. Collection method: clinical testing. Allele origin: germline. Affected: yes. Observed: 1 variant allele.
Comment: PIK3R4: PM2

NM_014602.3(PIK3R4):c.3818C>G (p.Pro1273Arg)

Gene: PIK3R4 (phosphoinositide-3-kinase regulatory subunit 4; minus strand). Cytogenetic location: 3q22.1.
Variant type: single nucleotide variant.
Coding change: c.3818C>G on transcript NM_014602.3 (MANE Select); coding-DNA position 3818, C replaced by G.
Protein change: p.Pro1273Arg; replaces proline 1273 with arginine.
Molecular consequence: missense variant.
Genome position (GRCh38, 1-based): chr3:130,680,701, G>C on the plus strand (C>G on the coding strand, the complement: PIK3R4 is on the minus strand). VCF-style: chr3-130680701-G-C. GRCh37 (hg19) VCF-style: chr3-130399545-G-C.
Other names: short protein forms P1273R.
Identifiers: ClinVar variation 2654145 (VCV002654145.24), dbSNP rs2473653823, ClinGen allele CA354518659.
Genomic context (GRCh38, chr3:130,680,701, plus strand): 5'-TTCCTGTAGTAGGACACAGATGGGGAACTAGTACTTCCTGCAACAACATAGGACCTTTCT[G>C]GGTAAGCCAAGTCCCAAAACCTAGGAAAGAGGAAATAAATGATGACAATCTCTTCAGGAC-3'
Protein context (NP_055417.1, residues 1263-1283): MKIRFWDLAY[Pro1273Arg]ERSYVVAGST